The following is an entry in ClinVar:

NM_024417.5(FDXR):c.261C>T (p.Pro87=)

Gene: FDXR (ferredoxin reductase; minus strand). Cytogenetic location: 17q25.1.
Variant type: single nucleotide variant.
Coding change: c.261C>T on transcript NM_024417.5 (MANE Select); coding-DNA position 261, C replaced by T.
Protein change: p.Pro87=; no amino-acid change (proline 87 retained).
Molecular consequence: synonymous variant. On other transcripts: non-coding transcript variant (1).
Genome position (GRCh38, 1-based): chr17:74,866,793, G>A on the plus strand (C>T on the coding strand, the complement: FDXR is on the minus strand). VCF-style: chr17-74866793-G-A. GRCh37 (hg19) VCF-style: chr17-72862915-G-A.
Other names: c.390C>T, p.Pro130= (NM_001258012.4); c.354C>T, p.Pro118= (NM_001258013.4); c.261C>T, p.Pro87= (NM_001258014.4, NM_004110.6); c.264C>T, p.Pro88= (NM_001258015.3); c.105C>T, p.Pro35= (NM_001258016.3).
Identifiers: ClinVar variation 2648241 (VCV002648241.25), dbSNP rs756636490, ClinGen allele CA8753289.

ClinVar aggregate classification (germline): Likely benign. Review status: criteria provided, multiple submitters, no conflicts (2 of 4 stars). 2 submissions from 2 submitters: Likely benign (2). Last evaluated 2023-10-01.

Allele frequency attached by ClinVar (database versions not stated): TOPMed 0.00001; gnomAD 0.00003; gnomAD exomes 0.00007; ExAC 0.00014.
gnomAD v4.1: 97 of 1,614,122 alleles (0.006%); highest among the groups gnomAD compares: South Asian, 0.083%; 1 homozygote.

Submissions (2):

CeGaT Center for Human Genetics Tuebingen
Classification: Likely benign. Last evaluated: 2023-10-01. Review status: criteria provided, single submitter. Criteria: CeGaT Center For Human Genetics Tuebingen Variant Classification Criteria Version 2. Collection method: clinical testing. Allele origin: germline. Affected: yes. Observed: 1 variant allele.
Comment: FDXR: BP4, BP7

Blueprint Genetics
Classification: Likely benign. Last evaluated: 2023-05-26. Review status: criteria provided, single submitter. Criteria: ACMG Guidelines, 2015. Collection method: clinical testing. Allele origin: germline.